The following is an entry in ClinVar:

ClinVar aggregate classification (germline): Uncertain significance. Review status: criteria provided, multiple submitters, no conflicts (2 of 4 stars). 2 submissions from 2 submitters: Uncertain significance (2). Last evaluated 2026-01-05.

Conditions:
Inborn genetic diseases. Identifiers: MedGen C0950123, MeSH D030342.

Allele frequency attached by ClinVar (database versions not stated): gnomAD exomes below 0.00001 and 0.00001; ExAC 0.00001; TOPMed 0.00001.
gnomAD v4.1: 16 of 1,614,142 alleles (0.00099%); highest among the groups gnomAD compares: Non-Finnish European, 0.0014%; 1 homozygote.

Submissions (2):

Labcorp Genetics (formerly Invitae), Labcorp
Classification: Uncertain significance. Last evaluated: 2026-01-05. Review status: criteria provided, single submitter. Criteria: Invitae Variant Classification Sherloc (09022015). Collection method: clinical testing. Allele origin: germline.
Comment: This sequence change replaces tyrosine, which is neutral and polar, with cysteine, which is neutral and slightly polar, at codon 636 of the NDUFS1 protein (p.Tyr636Cys). This variant is present in population databases (rs779514372, gnomAD 0.0009%). This variant has not been reported in the literature in individuals affected with NDUFS1-related conditions. ClinVar contains an entry for this variant (Variation ID: 1435045). Invitae Evidence Modeling of protein sequence and biophysical properties (such as structural, functional, and spatial information, amino acid conservation, physicochemical variation, residue mobility, and thermodynamic stability) indicates that this missense variant is expected to disrupt NDUFS1 protein function with a positive predictive value of 95%. In summary, the available evidence is currently insufficient to determine the role of this variant in disease. Therefore, it has been classified as a Variant of Uncertain Significance.

Ambry Genetics
Classification: Uncertain significance for Inborn genetic diseases. Last evaluated: 2025-11-12. Review status: criteria provided, single submitter. Criteria: Ambry Variant Classification Scheme 2023. Collection method: clinical testing. Allele origin: germline.

NM_005006.7(NDUFS1):c.1907A>G (p.Tyr636Cys)

Gene: NDUFS1 (NADH:ubiquinone oxidoreductase core subunit S1; minus strand). Cytogenetic location: 2q33.3.
Variant type: single nucleotide variant.
Coding change: c.1907A>G on transcript NM_005006.7 (MANE Select); coding-DNA position 1907, A replaced by G.
Protein change: p.Tyr636Cys; replaces tyrosine 636 with cysteine.
Molecular consequence: missense variant.
Genome position (GRCh38, 1-based): chr2:206,126,822, T>C on the plus strand (A>G on the coding strand, the complement: NDUFS1 is on the minus strand). VCF-style: chr2-206126822-T-C. GRCh37 (hg19) VCF-style: chr2-206991546-T-C.
Other names: c.1799A>G, p.Tyr600Cys (NM_001199981.2); c.1574A>G, p.Tyr525Cys (NM_001199982.2); c.1736A>G, p.Tyr579Cys (NM_001199983.2); c.1949A>G, p.Tyr650Cys (NM_001199984.2); c.1907A>G (NM_005006.6); short protein forms Y650C, Y525C, Y600C, Y579C, Y636C.
Identifiers: ClinVar variation 1435045 (VCV001435045.5), dbSNP rs779514372, ClinGen allele CA2070324.